The following is an entry in ClinVar:

NM_001267550.2(TTN):c.13800A>C (p.Leu4600Phe)

Gene: TTN (titin; minus strand). Cytogenetic location: 2q31.2.
Variant type: single nucleotide variant.
Coding change: c.13800A>C on transcript NM_001267550.2 (MANE Select); coding-DNA position 13800, A replaced by C.
Protein change: p.Leu4600Phe; replaces leucine 4600 with phenylalanine.
Molecular consequence: missense variant. On other transcripts: intron variant (1).
Genome position (GRCh38, 1-based): chr2:178,739,433, T>G on the plus strand (A>C on the coding strand, the complement: TTN is on the minus strand). VCF-style: chr2-178739433-T-G. GRCh37 (hg19) VCF-style: chr2-179604160-T-G.
Other names: p.L4283F:TTA>TTC; c.12849A>C, p.Leu4283Phe (NM_001256850.1); c.12711A>C, p.Leu4237Phe (NM_003319.4); c.13086A>C, p.Leu4362Phe (NM_133432.3); c.13287A>C, p.Leu4429Phe (NM_133437.4); c.10361-1073A>C (NM_133378.4); short protein forms L4600F, L4283F, L4362F, L4237F, L4429F.
Identifiers: ClinVar variation 47840 (VCV000047840.27), dbSNP rs1883085, ClinGen allele CA284577.

ClinVar aggregate classification (germline): Benign. Review status: criteria provided, multiple submitters, no conflicts (2 of 4 stars). 15 submissions from 12 submitters: Benign (13). 2 of the submissions do not count toward it. Last evaluated 2026-09-21.

Conditions:
Cardiovascular phenotype. Identifiers: MedGen CN230736.
Dilated cardiomyopathy 1G (CMD1G). Identifiers: Orphanet 154, MedGen C1858763, MONDO:0011400, OMIM 604145.
Autosomal recessive limb-girdle muscular dystrophy type 2J (LGMDR10). Also called: Limb-girdle muscular dystrophy, type 2J; MUSCULAR DYSTROPHY, LIMB-GIRDLE, AUTOSOMAL RECESSIVE 10. Identifiers: Orphanet 140922, MedGen C1837342, MONDO:0012127, OMIM 608807.
Early-onset myopathy with fatal cardiomyopathy (CMYO5). Also called: Salih Myopathy; CONGENITAL MYOPATHY 5 WITH CARDIOMYOPATHY. Identifiers: Orphanet 289377, MedGen C2673677, MONDO:0012714, OMIM 611705. Disease mechanism: loss of function.
Myopathy, myofibrillar, 9, with early respiratory failure (MFM9). Also called: Hereditary myopathy with early respiratory failure; MYOPATHY, PROXIMAL, WITH EARLY RESPIRATORY MUSCLE INVOLVEMENT; Myopathy, distal, with early respiratory failure, autosomal dominant; EDSTROM MYOPATHY. Identifiers: Orphanet 178464, Orphanet 34521, MedGen C1863599, MONDO:0011362, OMIM 603689.
Tibial muscular dystrophy (TMD). Also called: UDD MYOPATHY; Tibial muscular dystrophy, tardive; Udd Distal Myopathy – Tibial Muscular Dystrophy. Identifiers: Orphanet 609, MedGen C1838244, MONDO:0010870, OMIM 600334.

Allele frequency attached by ClinVar (database versions not stated): ESP Exome Variant Server 0.03376; gnomAD 0.04810 and 0.05013; ExAC 0.07226; TOPMed 0.06098; 1000 Genomes Project 30x 0.07636; gnomAD exomes 0.05308 and 0.07977; 1000 Genomes Project 0.07628.
gnomAD v4.1: 85,118 of 1,613,754 alleles (5.3%); highest among the groups gnomAD compares: Admixed American, 21%; 3,847 homozygotes.

Submissions (15):

Molecular Diagnostic Laboratory for Inherited Cardiovascular Disease, Montreal Heart Institute
Classification: Benign. Last evaluated: 2026-09-21. Review status: criteria provided, single submitter. Criteria: ACMG Guidelines, 2015. Collection method: clinical testing. Allele origin: germline. Affected: no.

Labcorp Genetics (formerly Invitae), Labcorp
Classification: Benign for Dilated cardiomyopathy 1G; Autosomal recessive limb-girdle muscular dystrophy type 2J. Last evaluated: 2026-02-04. Review status: criteria provided, single submitter. Criteria: Invitae Variant Classification Sherloc (09022015). Collection method: clinical testing. Allele origin: germline.

Genome-Nilou Lab
Classification: Benign for Autosomal recessive limb-girdle muscular dystrophy type 2J. Last evaluated: 2021-09-10. Review status: criteria provided, single submitter. Criteria: ACMG Guidelines, 2015. Collection method: clinical testing. Allele origin: germline. Affected: no.

Genome-Nilou Lab
Classification: Benign for Myopathy, myofibrillar, 9, with early respiratory failure. Last evaluated: 2021-09-10. Review status: criteria provided, single submitter. Criteria: ACMG Guidelines, 2015. Collection method: clinical testing. Allele origin: germline. Affected: no.

Genome-Nilou Lab
Classification: Benign for Early-onset myopathy with fatal cardiomyopathy. Last evaluated: 2021-09-10. Review status: criteria provided, single submitter. Criteria: ACMG Guidelines, 2015. Collection method: clinical testing. Allele origin: germline. Affected: no.

Genome-Nilou Lab
Classification: Benign for Tibial muscular dystrophy. Last evaluated: 2021-09-10. Review status: criteria provided, single submitter. Criteria: ACMG Guidelines, 2015. Collection method: clinical testing. Allele origin: germline. Affected: no.

Ambry Genetics
Classification: Benign for Cardiovascular phenotype. Last evaluated: 2015-04-20. Review status: criteria provided, single submitter. Criteria: Ambry Variant Classification Scheme 2023. Collection method: clinical testing. Allele origin: germline.

Mayo Clinic Laboratories, Mayo Clinic
Classification: Benign. Last evaluated: 2014-08-06. Review status: criteria provided, single submitter. Criteria: ACMG Guidelines, 2015. Collection method: clinical testing. Allele origin: germline. Observed: 178 variant alleles.

Biesecker Lab/Clinical Genomics Section, National Institutes of Health
Classification: Benign. Last evaluated: 2013-06-24. Review status: criteria provided, single submitter. Criteria: Ng et al. (Circ Cardiovasc Genet. 2013). Collection method: research. Allele origin: unknown. Observed: 81 variant alleles. Study: ClinSeq.
Comment: The study set was not selected for affection status in relation to any cancer. Pathogenicity categories were based on literature curation. See Pubmed ID:23861362 for details.

Medical sequencing

GeneDx
Classification: Benign. Last evaluated: 2012-10-19. Review status: criteria provided, single submitter. Criteria: GeneDx Variant Classification (06012015). Collection method: clinical testing. Allele origin: germline. Affected: yes.
Comment: This variant is considered likely benign or benign based on one or more of the following criteria: it is a conservative change, it occurs at a poorly conserved position in the protein, it is predicted to be benign by multiple in silico algorithms, and/or has population frequency not consistent with disease.

Laboratory for Molecular Medicine, Mass General Brigham Personalized Medicine
Classification: Benign. Last evaluated: 2012-04-26. Review status: criteria provided, single submitter. Criteria: LMM Criteria. Collection method: clinical testing. Allele origin: germline. Observed: 159 variant alleles.
Comment: Leu 4362Phe in exon 45B of TTN: This variant is not expected to have clinical si gnificance because it has been identified in 4.5% (301/6700) of European America n chromosomes from a broad population by the NHLBI Exome Sequencing Project (rs1883085).

Breakthrough Genomics
Classification: Benign. Review status: criteria provided, single submitter. Criteria: ACMG Guidelines, 2015. Collection method: not provided. Allele origin: germline. Inheritance: Autosomal recessive inheritance. Affected: yes.

PreventionGenetics, part of Exact Sciences
Classification: Benign. Review status: criteria provided, single submitter. Criteria: ACMG Guidelines, 2015. Collection method: clinical testing. Allele origin: germline.

Clinical Genetics DNA and cytogenetics Diagnostics Lab, Erasmus MC, Erasmus Medical Center
Classification: Benign. Review status: no assertion criteria provided. Collection method: clinical testing. Allele origin: germline. Affected: yes. Study: VKGL Data-share Consensus. Not counted in ClinVar's aggregate classification.

Clinical Genetics, Academic Medical Center
Classification: Benign. Review status: no assertion criteria provided. Collection method: clinical testing. Allele origin: germline. Affected: yes. Study: VKGL Data-share Consensus. Not counted in ClinVar's aggregate classification.